The following is an entry in ClinVar:

NM_001367624.2(ZNF469):c.9473T>C (p.Leu3158Pro)

Gene: ZNF469 (zinc finger protein 469; plus strand). Cytogenetic location: 16q24.2.
Variant type: single nucleotide variant.
Coding change: c.9473T>C on transcript NM_001367624.2 (MANE Select); coding-DNA position 9473, T replaced by C.
Protein change: p.Leu3158Pro; replaces leucine 3158 with proline.
Molecular consequence: missense variant.
Genome position (GRCh38, 1-based): chr16:88,436,943, T>C. VCF-style: chr16-88436943-T-C. GRCh37 (hg19) VCF-style: chr16-88503351-T-C.
Other names: NM_001127464.1:c.9389T>C; short protein forms L3158P.
Identifiers: ClinVar variation 1031851 (VCV001031851.3), dbSNP rs1906626370, ClinGen allele CA397122436.

ClinVar aggregate classification (germline): Uncertain significance. Review status: criteria provided, multiple submitters, no conflicts (2 of 4 stars). 2 submissions from 2 submitters: Uncertain significance (2). Last evaluated 2023-05-15.

Conditions:
Cardiovascular phenotype. Identifiers: MedGen CN230736.
Brittle cornea syndrome 1 (BCS1). Also called: CORNEAL FRAGILITY, KERATOGLOBUS, BLUE SCLERAE, JOINT HYPEREXTENSIBILITY; EDS6B; FRAGILITAS OCULI WITH JOINT HYPEREXTENSIBILITY; Corneal fragility keratoglobus, blue sclerae AND joint hypermobility; DYSGENESIS MESODERMALIS CORNEAE ET SCLERAE. Identifiers: Orphanet 90354, MedGen C0268344, MONDO:0024543, OMIM 229200.

Allele frequency attached by ClinVar (database versions not stated): gnomAD exomes 0.00001.
gnomAD v4.1: 7 of 1,492,722 alleles (0.00047%); highest among the groups gnomAD compares: Non-Finnish European, 0.00062%; no homozygotes.

Submissions (2):

Ambry Genetics
Classification: Uncertain significance for Cardiovascular phenotype. Last evaluated: 2023-05-15. Review status: criteria provided, single submitter. Criteria: Ambry Variant Classification Scheme 2023. Collection method: clinical testing. Allele origin: germline.
Comment: The p.L3130P variant (also known as c.9389T>C), located in coding exon 2 of the ZNF469 gene, results from a T to C substitution at nucleotide position 9389. The leucine at codon 3130 is replaced by proline, an amino acid with similar properties. This amino acid position is conserved. In addition, this alteration is predicted to be tolerated by in silico analysis. Since supporting evidence is limited at this time, the clinical significance of this alteration remains unclear.

Baylor Genetics
Classification: Uncertain significance for Brittle cornea syndrome 1. Last evaluated: 2018-06-29. Review status: criteria provided, single submitter. Criteria: ACMG Guidelines, 2015. Collection method: clinical testing. Allele origin: maternal. Affected: yes.
Comment: This variant was determined to be of uncertain significance according to ACMG Guidelines, 2015 [PMID:25741868].